The following is an entry in ClinVar:

NM_000094.4(COL7A1):c.7090C>T (p.Pro2364Ser)

Gene: COL7A1 (collagen type VII alpha 1 chain; minus strand). Cytogenetic location: 3p21.31.
Variant type: single nucleotide variant.
Coding change: c.7090C>T on transcript NM_000094.4 (MANE Select); coding-DNA position 7090, C replaced by T.
Protein change: p.Pro2364Ser; replaces proline 2364 with serine.
Molecular consequence: missense variant.
Genome position (GRCh38, 1-based): chr3:48,571,257, G>A on the plus strand (C>T on the coding strand, the complement: COL7A1 is on the minus strand). VCF-style: chr3-48571257-G-A. GRCh37 (hg19) VCF-style: chr3-48608690-G-A.
Other names: short protein forms P2364S.
Identifiers: ClinVar variation 2191977 (VCV002191977.6), dbSNP rs113813395, ClinGen allele CA73975395.

ClinVar aggregate classification (germline): Uncertain significance. Review status: criteria provided, multiple submitters, no conflicts (2 of 4 stars). 3 submissions from 3 submitters: Uncertain significance (3). Last evaluated 2026-01-22.

Conditions:
Inborn genetic diseases. Identifiers: MedGen C0950123, MeSH D030342.

gnomAD v4.1: 20 of 1,614,050 alleles (0.0012%); highest among the groups gnomAD compares: Admixed American, 0.015%; no homozygotes.

Submissions (3):

Labcorp Genetics (formerly Invitae), Labcorp
Classification: Uncertain significance. Last evaluated: 2026-01-22. Review status: criteria provided, single submitter. Criteria: Invitae Variant Classification Sherloc (09022015). Collection method: clinical testing. Allele origin: germline.
Comment: This sequence change replaces proline, which is neutral and non-polar, with serine, which is neutral and polar, at codon 2364 of the COL7A1 protein (p.Pro2364Ser). This variant is present in population databases (no rsID available, gnomAD 0.003%). This variant has not been reported in the literature in individuals affected with COL7A1-related conditions. ClinVar contains an entry for this variant (Variation ID: 2191977). Invitae Evidence Modeling of protein sequence and biophysical properties (such as structural, functional, and spatial information, amino acid conservation, physicochemical variation, residue mobility, and thermodynamic stability) indicates that this missense variant is not expected to disrupt COL7A1 protein function with a negative predictive value of 95%. In summary, the available evidence is currently insufficient to determine the role of this variant in disease. Therefore, it has been classified as a Variant of Uncertain Significance.

Ambry Genetics
Classification: Uncertain significance for Inborn genetic diseases. Last evaluated: 2025-04-09. Review status: criteria provided, single submitter. Criteria: Ambry Variant Classification Scheme 2023. Collection method: clinical testing. Allele origin: germline.

Women's Health and Genetics/Laboratory Corporation of America, LabCorp
Classification: Uncertain significance. Last evaluated: 2025-02-28. Review status: criteria provided, single submitter. Criteria: LabCorp Variant Classification Summary - May 2015. Collection method: clinical testing. Allele origin: germline.